The following is an entry in ClinVar:

NM_003072.5(SMARCA4):c.808C>G (p.Pro270Ala)

Gene: SMARCA4 (SWI/SNF related BAF chromatin remodeling complex subunit ATPase 4; plus strand). Cytogenetic location: 19p13.2.
Variant type: single nucleotide variant.
Coding change: c.808C>G on transcript NM_003072.5 (MANE Select); coding-DNA position 808, C replaced by G.
Protein change: p.Pro270Ala; replaces proline 270 with alanine.
Molecular consequence: missense variant. On other transcripts: non-coding transcript variant (1).
Genome position (GRCh38, 1-based): chr19:10,986,952, C>G. VCF-style: chr19-10986952-C-G. GRCh37 (hg19) VCF-style: chr19-11097628-C-G.
Other names: c.808C>G, p.Pro270Ala (NM_001128844.3, NM_001128845.2, NM_001128846.2 and 5 more transcripts); short protein forms P270A.
Identifiers: ClinVar variation 1356301 (VCV001356301.8), dbSNP rs1599957743, ClinGen allele CA404058003.

ClinVar aggregate classification (germline): Uncertain significance (1 of 4 stars; one submission).

Conditions:
Rhabdoid tumor predisposition syndrome 2 (RTPS2). Identifiers: Orphanet 231108, Orphanet 69077, MedGen C2750074, MONDO:0013224, OMIM 613325.

Submission:

Labcorp Genetics (formerly Invitae), Labcorp
Classification: Uncertain significance for Rhabdoid tumor predisposition syndrome 2. Last evaluated: 2021-08-24. Review status: criteria provided, single submitter. Criteria: Invitae Variant Classification Sherloc (09022015). Collection method: clinical testing. Allele origin: germline.
Comment: This sequence change replaces proline with alanine at codon 270 of the SMARCA4 protein (p.Pro270Ala). The proline residue is highly conserved and there is a small physicochemical difference between proline and alanine. This variant is not present in population databases (ExAC no frequency). This variant has not been reported in the literature in individuals with SMARCA4-related conditions. Algorithms developed to predict the effect of missense changes on protein structure and function (SIFT, PolyPhen-2, Align-GVGD) all suggest that this variant is likely to be tolerated, but these predictions have not been confirmed by published functional studies and their clinical significance is uncertain. In summary, the available evidence is currently insufficient to determine the role of this variant in disease. Therefore, it has been classified as a Variant of Uncertain Significance.